The following is an entry in ClinVar:

ClinVar aggregate classification (germline): Uncertain significance (1 of 4 stars; one submission).

gnomAD v4.1: 2 of 1,602,528 alleles (0.00012%); highest among the groups gnomAD compares: Non-Finnish European, 0.00017%; no homozygotes.

Submission:

Dasa
Classification: Uncertain significance. Last evaluated: 2025-12-12. Review status: criteria provided, single submitter. Criteria: DASA Assertion Criteria. Collection method: clinical testing. Allele origin: germline.
Comment: NM_001321571.2(CAMK2D):c.1138C>T (p.Arg380*) is a nonsense variant in CAMK2D predicted to introduce a premature termination codon. This variant is rare in population databases. The currently available literature and clinical evidence are not sufficient to establish a definitive association between this variant and the reported condition. Therefore, this variant is classified as a variant of uncertain significance.

NM_001321571.2(CAMK2D):c.1138C>T (p.Arg380Ter)

Gene: CAMK2D (calcium/calmodulin dependent protein kinase II delta; minus strand). Cytogenetic location: 4q26.
Variant type: single nucleotide variant.
Coding change: c.1138C>T on transcript NM_001321571.2 (MANE Select); coding-DNA position 1138, C replaced by T.
Protein change: p.Arg380Ter; replaces arginine 380 with a stop codon.
Molecular consequence: nonsense.
Genome position (GRCh38, 1-based): chr4:113,465,602, G>A on the plus strand (C>T on the coding strand, the complement: CAMK2D is on the minus strand). VCF-style: chr4-113465602-G-A. GRCh37 (hg19) VCF-style: chr4-114386758-G-A.
Other names: c.1138C>T, p.Arg380Ter (NM_001321579.2, NM_001321567.2, NM_001321569.2 and 2 more transcripts); c.1096C>T, p.Arg366Ter (NM_001321580.2); c.961C>T, p.Arg321Ter (NM_001321581.2); c.1069C>T, p.Arg357Ter (NM_001321582.2, NM_001396965.1, NM_172129.2); c.1078C>T, p.Arg360Ter (NM_001321583.2, NM_172114.2, NM_001321589.2 and 4 more transcripts); c.1075C>T, p.Arg359Ter (NM_001321584.2, NM_001321588.2, NM_001321577.2); c.490C>T, p.Arg164Ter (NM_001321585.2, NM_001321578.2); c.1135C>T, p.Arg379Ter (NM_001321586.2, NM_001399855.1, NM_001399856.1); and 9 more; short protein forms R150*, R164*, R216*, R251*, R306*, R307*, R321*, R345*.
Identifiers: ClinVar variation 4880924 (VCV004880924.2).